The following is an entry in ClinVar:

ClinVar aggregate classification (germline): Likely benign. Review status: criteria provided, multiple submitters, no conflicts (2 of 4 stars). 2 submissions from 2 submitters: Likely benign (2). Last evaluated 2025-04-21.

Conditions:
RYR1-related disorder. Also called: RYR1-related condition; RYR1-related disorders. Identifiers: MedGen CN239331.
Malignant hyperthermia, susceptibility to, 1 (MHS1). Also called: RYR1-Related Malignant Hyperthermia Susceptibility; Anesthesia related hyperthermia; Malignant hyperpyrexia; Fulminating hyperpyrexia; Pharmacogenic myopathy; Malignant hyperthermia suceptibility 1. Identifiers: Orphanet 423, MedGen C2930980, MONDO:0007783, OMIM 145600.

Allele frequency attached by ClinVar (database versions not stated): gnomAD 0.00001; gnomAD exomes 0.00001; TOPMed 0.00001.
gnomAD v4.1: 13 of 1,613,982 alleles (0.00081%); highest among the groups gnomAD compares: Middle Eastern, 0.017%; no homozygotes.

Submissions (2):

Labcorp Genetics (formerly Invitae), Labcorp
Classification: Likely benign for RYR1-related disorder. Last evaluated: 2025-04-21. Review status: criteria provided, single submitter. Criteria: Invitae Variant Classification Sherloc (09022015). Collection method: clinical testing. Allele origin: germline.

All of Us Research Program, National Institutes of Health
Classification: Likely benign for Malignant hyperthermia, susceptibility to, 1. Last evaluated: 2023-12-13. Review status: criteria provided, single submitter. Criteria: ACMG Guidelines, 2015. Collection method: clinical testing. Allele origin: germline. Inheritance: Autosomal dominant inheritance. Observed: 3 variant alleles, 3 heterozygotes.
Comment: This study involves interpretation of variants in research participants for the purpose of population health screening. Participant phenotype was not available at the time of variant classification. Additional details can be found in publication PMID: 35346344, PMCID: PMC8962531

NM_000540.3(RYR1):c.6477C>T (p.Leu2159=)

Gene: RYR1 (ryanodine receptor 1; plus strand). Cytogenetic location: 19q13.2.
Variant type: single nucleotide variant.
Coding change: c.6477C>T on transcript NM_000540.3 (MANE Select); coding-DNA position 6477, C replaced by T.
Protein change: p.Leu2159=; no amino-acid change (leucine 2159 retained).
Molecular consequence: synonymous variant.
Genome position (GRCh38, 1-based): chr19:38,494,554, C>T. VCF-style: chr19-38494554-C-T. GRCh37 (hg19) VCF-style: chr19-38985194-C-T.
Other names: c.6477C>T, p.Leu2159= (NM_001042723.2).
Identifiers: ClinVar variation 544528 (VCV000544528.12), dbSNP rs1159279103, ClinGen allele CA507242416.